The following is an entry in ClinVar:

NM_000404.4(GLB1):c.457+2T>C

Gene: GLB1 (galactosidase beta 1; minus strand). Cytogenetic location: 3p22.3.
Variant type: single nucleotide variant.
Coding change: c.457+2T>C on transcript NM_000404.4 (MANE Select); the canonical splice donor site of the intron after coding-DNA position 457, T replaced by C.
Molecular consequence: splice donor variant. On other transcripts: intron variant (1).
Genome position (GRCh38, 1-based): chr3:33,068,228, A>G on the plus strand (T>C on the coding strand, the complement: GLB1 is on the minus strand). VCF-style: chr3-33068228-A-G. GRCh37 (hg19) VCF-style: chr3-33109720-A-G.
Other names: c.457+2T>C (NM_001393580.1); c.246-2671T>C (NM_001135602.3); c.601+2T>C (NM_001317040.2); c.367+2T>C (NM_001079811.3).
Identifiers: ClinVar variation 92908 (VCV000092908.11), dbSNP rs398123354, ClinGen allele CA202710.

ClinVar aggregate classification (germline): Pathogenic/Likely pathogenic. Review status: criteria provided, multiple submitters, no conflicts (2 of 4 stars). 3 submissions from 3 submitters: Pathogenic (1); Likely pathogenic (2). Last evaluated 2026-03-26.

Conditions:
GLB1-related disorder. Also called: GLB1-related disorders. Identifiers: MedGen CN377807.
GM1 gangliosidosis. Identifiers: Orphanet 354, MedGen C0085131, MONDO:0018149.
Mucopolysaccharidosis, MPS-IV-B (MPS4B). Also called: MORQUIO SYNDROME B; Mucopolysaccharidosis Type IVB; MPS IVB; Mucopolysaccharidosis type 4B; Mucopolysaccharidosis type IV B; Mucopolysaccharidosis Type IVB (Morquio B Disease). Identifiers: Orphanet 309310, Orphanet 582, MedGen C0086652, MONDO:0009660, OMIM 253010.

Submissions (3):

Myriad Genetics, Inc.
Classification: Likely pathogenic for GLB1-related disorder. Last evaluated: 2026-03-26. Review status: criteria provided, single submitter. Criteria: Myriad Autosomal Dominant, Autosomal Recessive and X-Linked Classification Criteria (2023). Collection method: clinical testing. Allele origin: unknown.
Comment: NM_000404.2(GLB1):c.457+2T>C is a variant in a canonical splice site classified as likely pathogenic in the context of GLB1-related disorders. c.457+2T>C has not been observed in cases with relevant disease. Relevant functional assessments of this variant are not available in the literature. c.457+2T>C has not been observed in referenced population frequency databases. In summary, NM_000404.2(GLB1):c.457+2T>C is a variant in a canonical splice site in a gene where loss of function is a known mechanism of disease and is predicted to disrupt protein function. Please note: this variant was assessed in the context of healthy population screening.

Labcorp Genetics (formerly Invitae), Labcorp
Classification: Likely pathogenic for Mucopolysaccharidosis, MPS-IV-B; GM1 gangliosidosis. Last evaluated: 2023-09-06. Review status: criteria provided, single submitter. Criteria: Invitae Variant Classification Sherloc (09022015). Collection method: clinical testing. Allele origin: germline.
Comment: ClinVar contains an entry for this variant (Variation ID: 92908). Algorithms developed to predict the effect of sequence changes on RNA splicing suggest that this variant may disrupt the consensus splice site. In summary, the currently available evidence indicates that the variant is pathogenic, but additional data are needed to prove that conclusively. Therefore, this variant has been classified as Likely Pathogenic. This sequence change affects a donor splice site in intron 4 of the GLB1 gene. It is expected to disrupt RNA splicing. Variants that disrupt the donor or acceptor splice site typically lead to a loss of protein function (PMID: 16199547), and loss-of-function variants in GLB1 are known to be pathogenic (PMID: 18524657). This variant is not present in population databases (gnomAD no frequency). This variant has not been reported in the literature in individuals affected with GLB1-related conditions.

Eurofins Ntd Llc (ga)
Classification: Pathogenic. Last evaluated: 2012-11-01. Review status: criteria provided, single submitter. Criteria: EGL Classification Definitions. Collection method: clinical testing. Allele origin: germline. Observed: 2 variant alleles, 2 heterozygotes.

Literature cited by the submitters: PubMed 16199547 (cited by Labcorp Genetics (formerly Invitae), Labcorp); PubMed 18524657 (cited by Labcorp Genetics (formerly Invitae), Labcorp).